The following is an entry in ClinVar:

ClinVar aggregate classification (germline): Likely benign (0 of 4 stars; one submission).

Conditions:
SPAG17-related disorder. Also called: SPAG17-related condition.

Allele frequency attached by ClinVar (database versions not stated): ESP Exome Variant Server 0.00008; TOPMed 0.00012; gnomAD 0.00073; gnomAD exomes 0.00081; ExAC 0.00245; 1000 Genomes Project 30x 0.00562; 1000 Genomes Project 0.00579.
gnomAD v4.1: 1,297 of 1,595,288 alleles (0.081%); highest among the groups gnomAD compares: South Asian, 1.3%; 14 homozygotes.

Submission:

PreventionGenetics, part of Exact Sciences
Classification: Likely benign for SPAG17-related condition. Last evaluated: 2019-04-09. Review status: no assertion criteria provided. Collection method: clinical testing. Allele origin: germline.
Comment: This variant is classified as likely benign based on ACMG/AMP sequence variant interpretation guidelines (Richards et al. 2015 PMID: 25741868, with internal and published modifications).

NM_206996.4(SPAG17):c.5530C>T (p.His1844Tyr)

Gene: SPAG17 (sperm associated antigen 17; minus strand). Cytogenetic location: 1p12.
Variant type: single nucleotide variant.
Coding change: c.5530C>T on transcript NM_206996.4 (MANE Select); coding-DNA position 5530, C replaced by T.
Protein change: p.His1844Tyr; replaces histidine 1844 with tyrosine.
Molecular consequence: missense variant.
Genome position (GRCh38, 1-based): chr1:117,988,196, G>A on the plus strand (C>T on the coding strand, the complement: SPAG17 is on the minus strand). VCF-style: chr1-117988196-G-A. GRCh37 (hg19) VCF-style: chr1-118530819-G-A.
Other names: short protein forms H1844Y.
Identifiers: ClinVar variation 3034932 (VCV003034932.2), dbSNP rs376841705, ClinGen allele CA1033080.
Genomic context (GRCh38, chr1:117,988,196, plus strand): 5'-ATGTGTCTGGTGGGCATTTTGGAGGCGTAGCCAAAGACTGCTTGAATAAATCAGTTAGGT[G>A]AGCTGCAACTTTAAACATAGATGTATTTAACTTTTATCCCCACTTCTTTATAGGGCAACA-3'
Protein context (NP_996879.1, residues 1834-1854): TKSHVTEVAA[His1844Tyr]LTDLFKQSLA